The following is an entry in ClinVar:

NM_000089.4(COL1A2):c.4084C>T (p.Pro1362Ser)

Gene: COL1A2 (collagen type I alpha 2 chain; plus strand). Cytogenetic location: 7q21.3.
Variant type: single nucleotide variant.
Coding change: c.4084C>T on transcript NM_000089.4 (MANE Select); coding-DNA position 4084, C replaced by T.
Protein change: p.Pro1362Ser; replaces proline 1362 with serine.
Molecular consequence: missense variant.
Genome position (GRCh38, 1-based): chr7:94,430,376, C>T. VCF-style: chr7-94430376-C-T. GRCh37 (hg19) VCF-style: chr7-94059688-C-T.
Other names: p.Pro1362Ser; short protein forms P1362S.
Identifiers: ClinVar variation 636431 (VCV000636431.4), dbSNP rs755358364, ClinGen allele CA4347919.

ClinVar aggregate classification (germline): Uncertain significance. Review status: criteria provided, multiple submitters, no conflicts (2 of 4 stars). 3 submissions from 3 submitters: Uncertain significance (3). Last evaluated 2026-04-27.

Conditions:
Cardiovascular phenotype. Identifiers: MedGen CN230736.

Allele frequency attached by ClinVar (database versions not stated): gnomAD 0.00001; TOPMed 0.00001; gnomAD exomes 0.00002; ExAC 0.00003.
gnomAD v4.1: 37 of 1,613,732 alleles (0.0023%); highest among the groups gnomAD compares: Admixed American, 0.012%; no homozygotes.

Submissions (3):

Ambry Genetics
Classification: Uncertain significance for Cardiovascular phenotype. Last evaluated: 2026-04-27. Review status: criteria provided, single submitter. Criteria: Ambry Variant Classification Scheme 2023. Collection method: clinical testing. Allele origin: germline.
Comment: The p.P1362S variant (also known as c.4084C>T), located in coding exon 52 of the COL1A2 gene, results from a C to T substitution at nucleotide position 4084. The proline at codon 1362 is replaced by serine, an amino acid with similar properties. This amino acid position is conserved. In addition, this alteration is predicted to be deleterious by in silico analysis. Based on the available evidence, the clinical significance of this variant remains unclear.

Mayo Clinic Laboratories, Mayo Clinic
Classification: Uncertain significance. Last evaluated: 2023-08-10. Review status: criteria provided, single submitter. Criteria: ACMG Guidelines, 2015. Collection method: clinical testing. Allele origin: germline. Observed: 1 variant allele.
Comment: BS1

Blueprint Genetics
Classification: Uncertain significance. Last evaluated: 2022-03-25. Review status: criteria provided, single submitter. Criteria: ACMG Guidelines, 2015. Collection method: clinical testing. Allele origin: germline.